The following is an entry in ClinVar:

ClinVar aggregate classification (germline): Uncertain significance (1 of 4 stars; one submission).

Allele frequency attached by ClinVar (database versions not stated): gnomAD 0.00001; TOPMed 0.00002; ExAC 0.00001.
gnomAD v4.1: 40 of 1,613,992 alleles (0.0025%); highest among the groups gnomAD compares: Non-Finnish European, 0.0034%; no homozygotes.

Submission:

Labcorp Genetics (formerly Invitae), Labcorp
Classification: Uncertain significance. Last evaluated: 2026-01-26. Review status: criteria provided, single submitter. Criteria: Invitae Variant Classification Sherloc (09022015). Collection method: clinical testing. Allele origin: germline.
Comment: This sequence change replaces methionine, which is neutral and non-polar, with isoleucine, which is neutral and non-polar, at codon 73 of the TUBB1 protein (p.Met73Ile). This variant is present in population databases (rs751490202, gnomAD 0.002%). This variant has not been reported in the literature in individuals affected with TUBB1-related conditions. ClinVar contains an entry for this variant (Variation ID: 2066792). Invitae Evidence Modeling of protein sequence and biophysical properties (such as structural, functional, and spatial information, amino acid conservation, physicochemical variation, residue mobility, and thermodynamic stability) indicates that this missense variant is not expected to disrupt TUBB1 protein function with a negative predictive value of 80%. In summary, the available evidence is currently insufficient to determine the role of this variant in disease. Therefore, it has been classified as a Variant of Uncertain Significance.

NM_030773.4(TUBB1):c.219G>A (p.Met73Ile)

Gene: TUBB1 (tubulin beta 1 class VI; plus strand). Cytogenetic location: 20q13.32.
Variant type: single nucleotide variant.
Coding change: c.219G>A on transcript NM_030773.4 (MANE Select); coding-DNA position 219, G replaced by A.
Protein change: p.Met73Ile; replaces methionine 73 with isoleucine.
Molecular consequence: missense variant.
Genome position (GRCh38, 1-based): chr20:59,023,542, G>A. VCF-style: chr20-59023542-G-A. GRCh37 (hg19) VCF-style: chr20-57598597-G-A.
Other names: short protein forms M73I.
Identifiers: ClinVar variation 2066792 (VCV002066792.4), dbSNP rs751490202, ClinGen allele CA9928420.